The following is an entry in ClinVar:

NM_194293.4(XIRP1):c.197G>A (p.Arg66His)

Gene: XIRP1 (xin actin binding repeat containing 1; minus strand). Cytogenetic location: 3p22.2.
Variant type: single nucleotide variant.
Coding change: c.197G>A on transcript NM_194293.4 (MANE Select); coding-DNA position 197, G replaced by A.
Protein change: p.Arg66His; replaces arginine 66 with histidine.
Molecular consequence: missense variant. On other transcripts: intron variant (1).
Genome position (GRCh38, 1-based): chr3:39,189,249, C>T on the plus strand (G>A on the coding strand, the complement: XIRP1 is on the minus strand). VCF-style: chr3-39189249-C-T. GRCh37 (hg19) VCF-style: chr3-39230740-C-T.
Other names: c.197G>A, p.Arg66His (NM_001198621.4); c.-168+3197G>A (NM_001351377.2); short protein forms R66H.
Identifiers: ClinVar variation 3039457 (VCV003039457.2), dbSNP rs76384304, ClinGen allele CA2326789.

ClinVar aggregate classification (germline): Benign (0 of 4 stars; one submission).

Conditions:
XIRP1-related disorder. Also called: XIRP1-related condition.

Allele frequency attached by ClinVar (database versions not stated): ExAC 0.00131; TOPMed 0.00395; ESP Exome Variant Server 0.00415; 1000 Genomes Project 0.00499; 1000 Genomes Project 30x 0.00531.
gnomAD v4.1: 1,326 of 1,614,050 alleles (0.082%); highest among the groups gnomAD compares: African/African-American, 1.2%; 3 homozygotes.

Submission:

PreventionGenetics, part of Exact Sciences
Classification: Benign for XIRP1-related condition. Last evaluated: 2019-05-27. Review status: no assertion criteria provided. Collection method: clinical testing. Allele origin: germline.
Comment: This variant is classified as benign based on ACMG/AMP sequence variant interpretation guidelines (Richards et al. 2015 PMID: 25741868, with internal and published modifications).